The following is an entry in ClinVar:

NM_004526.4(MCM2):c.887C>T (p.Ser296Leu)

Gene: MCM2 (minichromosome maintenance complex component 2; plus strand). Cytogenetic location: 3q21.3.
Variant type: single nucleotide variant.
Coding change: c.887C>T on transcript NM_004526.4 (MANE Select); coding-DNA position 887, C replaced by T.
Protein change: p.Ser296Leu; replaces serine 296 with leucine.
Molecular consequence: missense variant. On other transcripts: non-coding transcript variant (1).
Genome position (GRCh38, 1-based): chr3:127,606,331, C>T. VCF-style: chr3-127606331-C-T. GRCh37 (hg19) VCF-style: chr3-127325174-C-T.
Other names: short protein forms S296L.
Identifiers: ClinVar variation 1512472 (VCV001512472.9), dbSNP rs199968234, ClinGen allele CA2595733.

ClinVar aggregate classification (germline): Uncertain significance. Review status: criteria provided, multiple submitters, no conflicts (2 of 4 stars). 2 submissions from 2 submitters: Uncertain significance (2). Last evaluated 2025-01-27.

Allele frequency attached by ClinVar (database versions not stated): ExAC 0.00007; gnomAD exomes 0.00010 and 0.00013; gnomAD 0.00013 and 0.00014; 1000 Genomes Project 30x 0.00016; 1000 Genomes Project 0.00020.
gnomAD v4.1: 207 of 1,614,206 alleles (0.013%); highest among the groups gnomAD compares: Middle Eastern, 0.33%; 1 homozygote.

Submissions (2):

Labcorp Genetics (formerly Invitae), Labcorp
Classification: Uncertain significance. Last evaluated: 2025-01-27. Review status: criteria provided, single submitter. Criteria: Invitae Variant Classification Sherloc (09022015). Collection method: clinical testing. Allele origin: germline.
Comment: This sequence change replaces serine, which is neutral and polar, with leucine, which is neutral and non-polar, at codon 296 of the MCM2 protein (p.Ser296Leu). This variant is present in population databases (rs199968234, gnomAD 0.02%). This variant has not been reported in the literature in individuals affected with MCM2-related conditions. ClinVar contains an entry for this variant (Variation ID: 1512472). Invitae Evidence Modeling of protein sequence and biophysical properties (such as structural, functional, and spatial information, amino acid conservation, physicochemical variation, residue mobility, and thermodynamic stability) indicates that this missense variant is not expected to disrupt MCM2 protein function with a negative predictive value of 80%. In summary, the available evidence is currently insufficient to determine the role of this variant in disease. Therefore, it has been classified as a Variant of Uncertain Significance.

Breakthrough Genomics
Classification: Uncertain significance. Review status: criteria provided, single submitter. Criteria: ACMG Guidelines, 2015. Collection method: not provided. Allele origin: germline. Inheritance: Autosomal dominant inheritance. Affected: yes.